The following is an entry in ClinVar:

NM_000368.5(TSC1):c.2674del (p.Arg892fs)

Gene: TSC1 (TSC complex subunit 1; minus strand). Cytogenetic location: 9q34.13.
Variant type: Deletion.
Coding change: c.2674del on transcript NM_000368.5 (MANE Select); coding-DNA position 2674, one base deleted (A; older notation c.2674delA).
Protein change: p.Arg892fs; shifts the reading frame from arginine 892.
Molecular consequence: frameshift variant.
Genome position (GRCh38, 1-based): chr9:132,897,562, T deleted on the plus strand (A on the coding strand, the reverse complement: TSC1 is on the minus strand). VCF-style (leftmost placement, unchanged base first): chr9-132897561-CT-C. GRCh37 (hg19) VCF-style: chr9-135772948-CT-C.
Other names: c.2671del, p.Arg891fs (NM_001162426.2); c.2521del, p.Arg841fs (NM_001162427.2); c.2311del, p.Arg771fs (NM_001362177.2); short protein forms R771fs, R841fs, R891fs, R892fs.
Identifiers: ClinVar variation 1456152 (VCV001456152.6), dbSNP rs2131637518, ClinGen allele CA2573144369.
Genomic context (GRCh38, chr9:132,897,561, plus strand): 5'-AGTTCCAAAATCCGTTTTTGGGAGGTATCAAGCCTCTGAGTCTGCTGGAGAACATGGCTT[CT>C]GTTTTTTTCTAGCTCTTTCCGATAGGCGGCTTTCATCATTTCTACTTCCTGAAAAAAAAA-3'

ClinVar aggregate classification (germline): Pathogenic (1 of 4 stars; one submission).

Conditions:
Tuberous sclerosis 1 (TSC1). Identifiers: Orphanet 805, MedGen C1854465, MONDO:0008612, OMIM 191100.

Allele frequency attached by ClinVar (database versions not stated): gnomAD exomes below 0.00001.

Submission:

Labcorp Genetics (formerly Invitae), Labcorp
Classification: Pathogenic for Tuberous sclerosis 1. Last evaluated: 2023-01-19. Review status: criteria provided, single submitter. Criteria: Invitae Variant Classification Sherloc (09022015). Collection method: clinical testing. Allele origin: germline.
Comment: For these reasons, this variant has been classified as Pathogenic. ClinVar contains an entry for this variant (Variation ID: 1456152). This variant has not been reported in the literature in individuals affected with TSC1-related conditions. This variant is not present in population databases (gnomAD no frequency). This sequence change creates a premature translational stop signal (p.Arg892Glufs*39) in the TSC1 gene. It is expected to result in an absent or disrupted protein product. Loss-of-function variants in TSC1 are known to be pathogenic (PMID: 10227394, 17304050).

Literature cited by the submitters: PubMed 10227394; PubMed 17304050.